The following is an entry in ClinVar:

ClinVar aggregate classification (germline): Uncertain significance (1 of 4 stars; one submission).

Allele frequency attached by ClinVar (database versions not stated): TOPMed below 0.00001.

Submission:

Labcorp Genetics (formerly Invitae), Labcorp
Classification: Uncertain significance. Last evaluated: 2021-05-19. Review status: criteria provided, single submitter. Criteria: Invitae Variant Classification Sherloc (09022015). Collection method: clinical testing. Allele origin: germline.
Comment: This sequence change replaces glycine with tryptophan at codon 501 of the SKIV2L protein (p.Gly501Trp). The glycine residue is weakly conserved and there is a large physicochemical difference between glycine and tryptophan. Algorithms developed to predict the effect of missense changes on protein structure and function are either unavailable or do not agree on the potential impact of this missense change (SIFT: "Deleterious"; PolyPhen-2: "Possibly Damaging"; Align-GVGD: "Class C0"). In summary, the available evidence is currently insufficient to determine the role of this variant in disease. Therefore, it has been classified as a Variant of Uncertain Significance. This variant has not been reported in the literature in individuals with SKIV2L-related conditions. This variant is not present in population databases (ExAC no frequency).

NM_006929.5(SKIC2):c.1501G>T (p.Gly501Trp)

Gene: SKIC2 (SKI2 subunit of superkiller complex; plus strand). Cytogenetic location: 6p21.33.
Variant type: single nucleotide variant.
Coding change: c.1501G>T on transcript NM_006929.5 (MANE Select); coding-DNA position 1501, G replaced by T.
Protein change: p.Gly501Trp; replaces glycine 501 with tryptophan.
Molecular consequence: missense variant.
Genome position (GRCh38, 1-based): chr6:31,963,510, G>T. VCF-style: chr6-31963510-G-T. GRCh37 (hg19) VCF-style: chr6-31931287-G-T.
Other names: short protein forms G501W.
Identifiers: ClinVar variation 1470966 (VCV001470966.8), dbSNP rs1772622217, ClinGen allele CA363457614.